The following is an entry in ClinVar:

NM_000718.4(CACNA1B):c.4496A>G (p.Tyr1499Cys)

Gene: CACNA1B (calcium voltage-gated channel subunit alpha1 B; plus strand). Cytogenetic location: 9q34.3.
Variant type: single nucleotide variant.
Coding change: c.4496A>G on transcript NM_000718.4 (MANE Select); coding-DNA position 4496, A replaced by G.
Protein change: p.Tyr1499Cys; replaces tyrosine 1499 with cysteine.
Molecular consequence: missense variant.
Genome position (GRCh38, 1-based): chr9:138,059,101, A>G. VCF-style: chr9-138059101-A-G. GRCh37 (hg19) VCF-style: chr9-140953553-A-G.
Other names: c.4496A>G, p.Tyr1499Cys (NM_001243812.2); short protein forms Y1499C.
Identifiers: ClinVar variation 2134797 (VCV002134797.4), dbSNP rs748225642, ClinGen allele CA5377012.

ClinVar aggregate classification (germline): Uncertain significance (1 of 4 stars; one submission).

Allele frequency attached by ClinVar (database versions not stated): ExAC 0.00001.

Submission:

Labcorp Genetics (formerly Invitae), Labcorp
Classification: Uncertain significance. Last evaluated: 2022-05-06. Review status: criteria provided, single submitter. Criteria: Invitae Variant Classification Sherloc (09022015). Collection method: clinical testing. Allele origin: germline.
Comment: In summary, the available evidence is currently insufficient to determine the role of this variant in disease. Therefore, it has been classified as a Variant of Uncertain Significance. Advanced modeling of protein sequence and biophysical properties (such as structural, functional, and spatial information, amino acid conservation, physicochemical variation, residue mobility, and thermodynamic stability) performed at Invitae indicates that this missense variant is expected to disrupt CACNA1B protein function. This variant has not been reported in the literature in individuals affected with CACNA1B-related conditions. This variant is not present in population databases (gnomAD no frequency). This sequence change replaces tyrosine, which is neutral and polar, with cysteine, which is neutral and slightly polar, at codon 1499 of the CACNA1B protein (p.Tyr1499Cys).